The following is an entry in ClinVar:

NM_001353345.2(SETD1B):c.1853T>C (p.Val618Ala)

Gene: SETD1B (SET domain containing 1B, histone lysine methyltransferase; plus strand). Cytogenetic location: 12q24.31.
Variant type: single nucleotide variant.
Coding change: c.1853T>C on transcript NM_001353345.2 (MANE Select); coding-DNA position 1853, T replaced by C.
Protein change: p.Val618Ala; replaces valine 618 with alanine.
Molecular consequence: missense variant.
Genome position (GRCh38, 1-based): chr12:121,810,798, T>C. VCF-style: chr12-121810798-T-C. GRCh37 (hg19) VCF-style: chr12-122248704-T-C.
Other names: NM_015048.1:c.1853T>C; short protein forms V618A.
Identifiers: ClinVar variation 2643439 (VCV002643439.25), dbSNP rs374027175, ClinGen allele CA6838910.

ClinVar aggregate classification (germline): Conflicting classifications of pathogenicity. Review status: criteria provided, conflicting classifications (1 of 4 stars). 2 submissions from 2 submitters: Uncertain significance (1); Likely benign (1). Last evaluated 2024-07-26.

Conditions:
Inborn genetic diseases. Identifiers: MedGen C0950123, MeSH D030342.

Allele frequency attached by ClinVar (database versions not stated): ExAC 0.00007; ESP Exome Variant Server 0.00022.
gnomAD v4.1: 114 of 1,532,022 alleles (0.0074%); highest among the groups gnomAD compares: Middle Eastern, 0.034%; no homozygotes.

Submissions (2):

Ambry Genetics
Classification: Likely benign for Inborn genetic diseases. Last evaluated: 2024-07-26. Review status: criteria provided, single submitter. Criteria: Ambry Variant Classification Scheme 2023. Collection method: clinical testing. Allele origin: germline.

CeGaT Center for Human Genetics Tuebingen
Classification: Uncertain significance. Last evaluated: 2023-04-01. Review status: criteria provided, single submitter. Criteria: CeGaT Center For Human Genetics Tuebingen Variant Classification Criteria Version 2. Collection method: clinical testing. Allele origin: germline. Affected: yes. Observed: 1 variant allele.
Comment: SETD1B: PP2, BP4